The following is an entry in ClinVar:

ClinVar aggregate classification (germline): Benign (1 of 4 stars; one submission).

Allele frequency attached by ClinVar (database versions not stated): gnomAD 0.09825 and 0.10585; 1000 Genomes Project 30x 0.13382; 1000 Genomes Project 0.13618; TOPMed 0.09635.

Submission:

GeneDx
Classification: Benign. Last evaluated: 2019-04-19. Review status: criteria provided, single submitter. Criteria: GeneDx Variant Classification Process June 2021. Collection method: clinical testing. Allele origin: germline. Affected: yes.
Comment: This variant is associated with the following publications: (PMID: 20167924, 31733101)

NM_001134445.2(DDAH1):c.-7+30723_-7+30726dup

Gene: DDAH1 (dimethylarginine dimethylaminohydrolase 1; minus strand). Cytogenetic location: 1p22.3.
Variant type: Duplication.
Coding change: c.-7+30723_-7+30726dup on transcript NM_001134445.2; bases 30723 to 30726 of the intron after 7 bases upstream of the start codon, 4 bases duplicated (GTGC; older notation c.-7+30723_-7+30726dupGTGC).
Molecular consequence: intron variant.
Genome position (GRCh38, 1-based): chr1:85,465,440-85,465,443, GCAC duplicated on the plus strand (GTGC on the coding strand, the reverse complement: DDAH1 is on the minus strand). VCF-style (leftmost placement, unchanged base first): chr1-85465439-T-TGCAC. GRCh37 (hg19) VCF-style: chr1-85931122-T-TGCAC.
Identifiers: ClinVar variation 1289550 (VCV001289550.4), dbSNP rs150767365, ClinGen allele CA25846420.